The following is an entry in ClinVar:

NM_152383.5(DIS3L2):c.1851G>C (p.Met617Ile)

Gene: DIS3L2 (DIS3 like 3'-5' exoribonuclease 2; plus strand). Cytogenetic location: 2q37.1.
Variant type: single nucleotide variant.
Coding change: c.1851G>C on transcript NM_152383.5 (MANE Select); coding-DNA position 1851, G replaced by C.
Protein change: p.Met617Ile; replaces methionine 617 with isoleucine.
Molecular consequence: missense variant. On other transcripts: non-coding transcript variant (2), intron variant (1).
Genome position (GRCh38, 1-based): chr2:232,329,924, G>C. VCF-style: chr2-232329924-G-C. GRCh37 (hg19) VCF-style: chr2-233194634-G-C.
Other names: c.1582-13421G>C (NM_001257281.2); short protein forms M617I.
Identifiers: ClinVar variation 646986 (VCV000646986.8), dbSNP rs1421901591, ClinGen allele CA350976152.

ClinVar aggregate classification (germline): Uncertain significance (1 of 4 stars; one submission).

Conditions:
Perlman syndrome (PRLMNS). Identifiers: Orphanet 2849, MedGen C0796113, MONDO:0009965, OMIM 267000.

Submission:

Labcorp Genetics (formerly Invitae), Labcorp
Classification: Uncertain significance for Perlman syndrome. Last evaluated: 2018-10-18. Review status: criteria provided, single submitter. Criteria: Invitae Variant Classification Sherloc (09022015). Collection method: clinical testing. Allele origin: germline.
Comment: In summary, the available evidence is currently insufficient to determine the role of this variant in disease. Therefore, it has been classified as a Variant of Uncertain Significance. Algorithms developed to predict the effect of missense changes on protein structure and function are either unavailable or do not agree on the potential impact of this missense change (SIFT: "Tolerated"; PolyPhen-2: "Possibly Damaging"; Align-GVGD: "Class C0"). This variant has not been reported in the literature in individuals with DIS3L2-related disease. This variant is not present in population databases (ExAC no frequency). This sequence change replaces methionine with isoleucine at codon 617 of the DIS3L2 protein (p.Met617Ile). The methionine residue is moderately conserved and there is a small physicochemical difference between methionine and isoleucine.